The following is an entry in ClinVar:

NM_001110556.2(FLNA):c.5009C>T (p.Thr1670Met)

Gene: FLNA (filamin A; minus strand). Cytogenetic location: Xq28.
Variant type: single nucleotide variant.
Coding change: c.5009C>T on transcript NM_001110556.2 (MANE Select); coding-DNA position 5009, C replaced by T.
Protein change: p.Thr1670Met; replaces threonine 1670 with methionine.
Molecular consequence: missense variant.
Genome position (GRCh38, 1-based): chrX:154,355,033, G>A on the plus strand (C>T on the coding strand, the complement: FLNA is on the minus strand). VCF-style: chrX-154355033-G-A. GRCh37 (hg19) VCF-style: chrX-153583401-G-A.
Other names: c.4985C>T, p.Thr1662Met (NM_001456.4); short protein forms T1662M, T1670M.
Identifiers: ClinVar variation 664842 (VCV000664842.12), dbSNP rs1381802174, ClinGen allele CA415208427.
Genomic context (GRCh38, chrX:154,355,033, plus strand): 5'-GTGCACACGGTGCACGTCACTTTGCCTTTGCCTGCCGCCTTAGTGTCCACAGTGATCACC[G>A]TCTCCTCCCCAATCTGAATGGTGGGGCCGATGCCAGCACCTGGTGGGGCAGGGTGGGTCC-3'
Protein context (NP_001104026.1, residues 1660-1680): IGPTIQIGEE[Thr1670Met]VITVDTKAAG

ClinVar aggregate classification (germline): Conflicting classifications of pathogenicity. Review status: criteria provided, conflicting classifications (1 of 4 stars). 3 submissions from 3 submitters: Uncertain significance (2); Likely benign (1). Last evaluated 2026-07-29.

Conditions:
Melnick-Needles syndrome (MNS). Also called: MELNICK-NEEDLES OSTEODYSPLASTY; OSTEODYSPLASTY OF MELNICK AND NEEDLES; Melnick-Needles Syndrome (FLNA-MNS). Identifiers: Orphanet 2484, MedGen C0025237, MONDO:0010650, OMIM 309350.
Heterotopia, periventricular, X-linked dominant (PVNH1). Also called: PERIVENTRICULAR NODULAR HETEROTOPIA 1; X-linked periventricular heterotopia; PERIVENTRICULAR NODULAR HETEROTOPIA 4; HETEROTOPIA, PERIVENTRICULAR, 1. Identifiers: Orphanet 2149, Orphanet 82004, MedGen C1848213, MONDO:0010233, OMIM 300049.
Oto-palato-digital syndrome, type II (OPD2). Also called: Otopalatodigital Syndrome, Type II; FACIOPALATOOSSEOUS SYNDROME; OPD II SYNDROME; Otopalatodigital Syndrome Type 2 (FLNA-OPD2). Identifiers: Orphanet 669, Orphanet 90652, MedGen C1844696, MONDO:0010571, OMIM 304120.
Frontometaphyseal dysplasia (FMD1). Identifiers: Orphanet 1826, MedGen C0265293, MONDO:0015942.
Familial thoracic aortic aneurysm and aortic dissection (TAAD). Also called: Thoracic aortic aneurysms and dissections. Identifiers: Orphanet 91387, MedGen C4707243, MONDO:0019625.

Allele frequency attached by ClinVar (database versions not stated): gnomAD 0.00001; gnomAD exomes 0.00001; TOPMed 0.00001.

Submissions (3):

Ambry Genetics
Classification: Uncertain significance for Familial thoracic aortic aneurysm and aortic dissection. Last evaluated: 2026-07-29. Review status: criteria provided, single submitter. Criteria: Ambry Variant Classification Scheme 2023. Collection method: clinical testing. Allele origin: germline.
Comment: The p.T1662M variant (also known as c.4985C>T), located in coding exon 29 of the FLNA gene, results from a C to T substitution at nucleotide position 4985. The threonine at codon 1662 is replaced by methionine, an amino acid with similar properties. This amino acid position is well conserved in available vertebrate species. In addition, this alteration is predicted to be deleterious by in silico analysis. Based on data from gnomAD, the T allele has an overall frequency of 0.0006% (1/180727) total alleles studied, with 1 hemizygote(s) observed. The highest observed frequency was 0.0012% (1/80673) of European (non-Finnish) alleles. Based on the available evidence, the clinical significance of this variant remains unclear.

Labcorp Genetics (formerly Invitae), Labcorp
Classification: Likely benign for Oto-palato-digital syndrome, type II; Heterotopia, periventricular, X-linked dominant; Frontometaphyseal dysplasia; Melnick-Needles syndrome. Last evaluated: 2024-07-12. Review status: criteria provided, single submitter. Criteria: Invitae Variant Classification Sherloc (09022015). Collection method: clinical testing. Allele origin: germline.

GeneDx
Classification: Uncertain significance. Last evaluated: 2023-05-01. Review status: criteria provided, single submitter. Criteria: GeneDx Variant Classification Process June 2021. Collection method: clinical testing. Allele origin: germline. Affected: yes.
Comment: In silico analysis supports that this missense variant has a deleterious effect on protein structure/function; Has not been previously published as pathogenic or benign to our knowledge